The following is an entry in ClinVar:

ClinVar aggregate classification (germline): Uncertain significance. Review status: criteria provided, multiple submitters, no conflicts (2 of 4 stars). 3 submissions from 3 submitters: Uncertain significance (3). Last evaluated 2025-11-25.

Conditions:
Inborn genetic diseases. Identifiers: MedGen C0950123, MeSH D030342.
Palmoplantar keratoderma, epidermolytic. Also called: Localized epidermolytic hyperkeratosis. Identifiers: MedGen C1721006, MONDO:0968949, HP:0007559.

Allele frequency attached by ClinVar (database versions not stated): gnomAD 0.00008 and 0.00007; gnomAD exomes 0.00008 and 0.00007; ExAC 0.00005; TOPMed 0.00005; ESP Exome Variant Server 0.00008.
gnomAD v4.1: 111 of 1,614,008 alleles (0.0069%); highest among the groups gnomAD compares: Middle Eastern, 0.016%; no homozygotes.

Submissions (3):

Labcorp Genetics (formerly Invitae), Labcorp
Classification: Uncertain significance. Last evaluated: 2025-11-25. Review status: criteria provided, single submitter. Criteria: Invitae Variant Classification Sherloc (09022015). Collection method: clinical testing. Allele origin: germline.
Comment: This sequence change replaces isoleucine, which is neutral and non-polar, with valine, which is neutral and non-polar, at codon 341 of the KRT9 protein (p.Ile341Val). This variant is present in population databases (rs201833191, gnomAD 0.01%). This variant has not been reported in the literature in individuals affected with KRT9-related conditions. ClinVar contains an entry for this variant (Variation ID: 889333). Invitae Evidence Modeling of protein sequence and biophysical properties (such as structural, functional, and spatial information, amino acid conservation, physicochemical variation, residue mobility, and thermodynamic stability) indicates that this missense variant is not expected to disrupt KRT9 protein function with a negative predictive value of 95%. In summary, the available evidence is currently insufficient to determine the role of this variant in disease. Therefore, it has been classified as a Variant of Uncertain Significance.

Ambry Genetics
Classification: Uncertain significance for Inborn genetic diseases. Last evaluated: 2024-03-16. Review status: criteria provided, single submitter. Criteria: Ambry Variant Classification Scheme 2023. Collection method: clinical testing. Allele origin: germline.

Illumina Laboratory Services, Illumina
Classification: Uncertain significance for Epidermolytic palmoplantar keratoderma, 1. Last evaluated: 2018-01-12. Review status: criteria provided, single submitter. Criteria: ICSL Variant Classification Criteria 13 December 2019. Collection method: clinical testing. Allele origin: germline.

NM_000226.4(KRT9):c.1021A>G (p.Ile341Val)

Gene: KRT9 (keratin 9; minus strand). Cytogenetic location: 17q21.2.
Variant type: single nucleotide variant.
Coding change: c.1021A>G on transcript NM_000226.4 (MANE Select); coding-DNA position 1021, A replaced by G.
Protein change: p.Ile341Val; replaces isoleucine 341 with valine.
Molecular consequence: missense variant.
Genome position (GRCh38, 1-based): chr17:41,569,449, T>C on the plus strand (A>G on the coding strand, the complement: KRT9 is on the minus strand). VCF-style: chr17-41569449-T-C. GRCh37 (hg19) VCF-style: chr17-39725701-T-C.
Other names: short protein forms I341V.
Identifiers: ClinVar variation 889333 (VCV000889333.10), dbSNP rs201833191, ClinGen allele CA8562068.